The following is an entry in ClinVar:

NM_004527.4(MEOX1):c.68G>A (p.Arg23Gln)

Gene: MEOX1 (mesenchyme homeobox 1; minus strand). Cytogenetic location: 17q21.31.
Variant type: single nucleotide variant.
Coding change: c.68G>A on transcript NM_004527.4 (MANE Select); coding-DNA position 68, G replaced by A.
Protein change: p.Arg23Gln; replaces arginine 23 with glutamine.
Molecular consequence: missense variant. On other transcripts: intron variant (1).
Genome position (GRCh38, 1-based): chr17:43,661,467, C>T on the plus strand (G>A on the coding strand, the complement: MEOX1 is on the minus strand). VCF-style: chr17-43661467-C-T. GRCh37 (hg19) VCF-style: chr17-41738835-C-T.
Other names: c.68G>A, p.Arg23Gln (NM_013999.4); c.-204-74G>A (NM_001040002.2); short protein forms R23Q.
Identifiers: ClinVar variation 1494374 (VCV001494374.6), dbSNP rs769836760, ClinGen allele CA8592713.

ClinVar aggregate classification (germline): Uncertain significance (1 of 4 stars; one submission).

Allele frequency attached by ClinVar (database versions not stated): gnomAD exomes 0.00002; TOPMed 0.00002; ExAC 0.00003; gnomAD 0.00003.
gnomAD v4.1: 32 of 1,609,454 alleles (0.002%); highest among the groups gnomAD compares: Non-Finnish European, 0.0025%; no homozygotes.

Submission:

Labcorp Genetics (formerly Invitae), Labcorp
Classification: Uncertain significance. Last evaluated: 2022-06-05. Review status: criteria provided, single submitter. Criteria: Invitae Variant Classification Sherloc (09022015). Collection method: clinical testing. Allele origin: germline.
Comment: This variant is present in population databases (rs769836760, gnomAD 0.005%). This sequence change replaces arginine, which is basic and polar, with glutamine, which is neutral and polar, at codon 23 of the MEOX1 protein (p.Arg23Gln). This variant has not been reported in the literature in individuals affected with MEOX1-related conditions. ClinVar contains an entry for this variant (Variation ID: 1494374). Algorithms developed to predict the effect of missense changes on protein structure and function (SIFT, PolyPhen-2, Align-GVGD) all suggest that this variant is likely to be disruptive. In summary, the available evidence is currently insufficient to determine the role of this variant in disease. Therefore, it has been classified as a Variant of Uncertain Significance.